The following is an entry in ClinVar:

ClinVar aggregate classification (germline): Uncertain significance. Review status: criteria provided, multiple submitters, no conflicts (2 of 4 stars). 3 submissions from 3 submitters: Uncertain significance (2). 1 of the submissions does not count toward it. Last evaluated 2025-11-25.

Conditions:
CFTR-related disorder (CFTR-RD). Also called: CFTR-related condition; CFTR-related disorders. Identifiers: MedGen C5924204, MONDO:7770004.
Cystic fibrosis (CF). Also called: MUCOVISCIDOSIS. Identifiers: Orphanet 586, MedGen C0010674, MONDO:0009061, OMIM 219700. Disease mechanism: loss of function.

gnomAD v4.1: 3 of 1,613,966 alleles (0.00019%); highest among the groups gnomAD compares: African/African-American, 0.0027%; no homozygotes.

Submissions (3):

Labcorp Genetics (formerly Invitae), Labcorp
Classification: Uncertain significance for Cystic fibrosis. Last evaluated: 2025-11-25. Review status: criteria provided, single submitter. Criteria: Invitae Variant Classification Sherloc (09022015). Collection method: clinical testing. Allele origin: germline.
Comment: This sequence change replaces glycine, which is neutral and non-polar, with alanine, which is neutral and non-polar, at codon 314 of the CFTR protein (p.Gly314Ala). This variant is not present in population databases (gnomAD no frequency). This missense change has been observed in individual(s) with cystic fibrosis (PMID: 15371908, 33572515). ClinVar contains an entry for this variant (Variation ID: 1055358). Invitae Evidence Modeling of protein sequence and biophysical properties (such as structural, functional, and spatial information, amino acid conservation, physicochemical variation, residue mobility, and thermodynamic stability) indicates that this missense variant is not expected to disrupt CFTR protein function with a negative predictive value of 80%. Experimental studies have shown that this missense change affects CFTR function (PMID: 9512029). This variant disrupts the p.Gly314 amino acid residue in CFTR. Other variant(s) that disrupt this residue have been determined to be pathogenic (PMID: 7509684, 8829633, 9512029, 24586523). This suggests that this residue is clinically significant, and that variants that disrupt this residue are likely to be disease-causing. In summary, the available evidence is currently insufficient to determine the role of this variant in disease. Therefore, it has been classified as a Variant of Uncertain Significance.

Ambry Genetics
Classification: Uncertain significance for Cystic fibrosis. Last evaluated: 2022-01-06. Review status: criteria provided, single submitter. Criteria: Ambry Variant Classification Scheme 2023. Collection method: clinical testing. Allele origin: germline.
Comment: The p.G314A variant (also known as c.941G>C), located in coding exon 8 of the CFTR gene, results from a G to C substitution at nucleotide position 941. The glycine at codon 314 is replaced by alanine, an amino acid with similar properties. The G314 position is located in the fifth putative hydrophobic transmembrane domain of the CFTR protein. Other substitutions affecting the same codon, p.G314R and p.G314E, have been reported in individuals with cystic fibrosis or CFTR-related disorders; however, the clinical significance of these findings is unclear (Nasr SZ et al. Hum Mutat, 1996;7:151-4; Golla A et al. Hum Mutat, 1994;3:67-8). A functional study found this variant reduced the sensitivity of the chloride channel to activation (Mansoura MK et al. Biophys. J. 1998; 74:1320-32). This amino acid position is well conserved in available vertebrate species; however, alanine is the reference amino acid in other vertebrate species. In addition, the in silico prediction for this alteration is inconclusive. Since supporting evidence is limited at this time, the clinical significance of this variant remains unclear.

Natera, Inc.
Classification: Uncertain significance for CFTR-related disorders. Last evaluated: 2018-10-30. Review status: no assertion criteria provided. Collection method: clinical testing. Allele origin: germline. Not counted in ClinVar's aggregate classification.

Literature cited by the submitters: PubMed 15371908 (cited by Labcorp Genetics (formerly Invitae), Labcorp); PubMed 33572515 (cited by Labcorp Genetics (formerly Invitae), Labcorp); PubMed 9512029 (cited by Labcorp Genetics (formerly Invitae), Labcorp and Ambry Genetics); PubMed 7509684 (cited by Labcorp Genetics (formerly Invitae), Labcorp and Ambry Genetics); PubMed 8829633 (cited by Labcorp Genetics (formerly Invitae), Labcorp and Ambry Genetics); PubMed 24586523 (cited by Labcorp Genetics (formerly Invitae), Labcorp).

NM_000492.4(CFTR):c.941G>C (p.Gly314Ala)

Gene: CFTR (CF transmembrane conductance regulator; plus strand). Cytogenetic location: 7q31.2.
Variant type: single nucleotide variant.
Coding change: c.941G>C on transcript NM_000492.4 (MANE Select); coding-DNA position 941, G replaced by C.
Protein change: p.Gly314Ala; replaces glycine 314 with alanine.
Molecular consequence: missense variant.
Genome position (GRCh38, 1-based): chr7:117,540,171, G>C. VCF-style: chr7-117540171-G-C. GRCh37 (hg19) VCF-style: chr7-117180225-G-C.
Other names: c.941G>C (NM_000492.3); short protein forms G314A.
Identifiers: ClinVar variation 1055358 (VCV001055358.10), dbSNP rs75763344, ClinGen allele CA368978366.
Genomic context (GRCh38, chr7:117,540,171, plus strand): 5'-AACTGACTCGGAAGGCAGCCTATGTGAGATACTTCAATAGCTCAGCCTTCTTCTTCTCAG[G>C]GTTCTTTGTGGTGTTTTTATCTGTGCTTCCCTATGCACTAATCAAAGGAATCATCCTCCG-3'
Protein context (NP_000483.3, residues 304-324): YFNSSAFFFS[Gly314Ala]FFVVFLSVLP